The following is an entry in ClinVar:

NM_152381.6(XIRP2):c.*97A>G

Gene: XIRP2 (xin actin binding repeat containing 2; plus strand). Cytogenetic location: 2q24.3.
Variant type: single nucleotide variant.
Coding change: c.*97A>G on transcript NM_152381.6 (MANE Select); 97 bases downstream of the stop codon, A replaced by G.
Molecular consequence: 3 prime UTR variant. On other transcripts: synonymous variant (3).
Genome position (GRCh38, 1-based): chr2:167,257,914, A>G. VCF-style: chr2-167257914-A-G. GRCh37 (hg19) VCF-style: chr2-168114424-A-G.
Other names: c.1368A>G, p.Gln456= (NM_001079810.4); c.1467A>G, p.Gln489= (NM_001199143.2); c.*97A>G (NM_001199144.2); c.702A>G, p.Gln234= (NM_001199145.2).
Identifiers: ClinVar variation 3054262 (VCV003054262.2), dbSNP rs139881474, ClinGen allele CA1948329.

ClinVar aggregate classification (germline): Likely benign (0 of 4 stars; one submission).

Conditions:
XIRP2-related disorder. Also called: XIRP2-related condition.

Allele frequency attached by ClinVar (database versions not stated): ExAC 0.00008; TOPMed 0.00008; gnomAD 0.00011; 1000 Genomes Project 30x 0.00094; 1000 Genomes Project 0.00100.
gnomAD v4.1: 72 of 1,611,334 alleles (0.0045%); highest among the groups gnomAD compares: East Asian, 0.15%; no homozygotes.

Submission:

PreventionGenetics, part of Exact Sciences
Classification: Likely benign for XIRP2-related condition. Last evaluated: 2022-08-20. Review status: no assertion criteria provided. Collection method: clinical testing. Allele origin: germline.
Comment: This variant is classified as likely benign based on ACMG/AMP sequence variant interpretation guidelines (Richards et al. 2015 PMID: 25741868, with internal and published modifications).